The following is an entry in ClinVar:

NM_003718.5(CDK13):c.324del (p.Arg110fs)

Genes: CDK13 (cyclin dependent kinase 13; plus strand), LOC129998292 (ATAC-STARR-seq lymphoblastoid silent region 18115; plus strand). Cytogenetic location: 7p14.1.
Variant type: Deletion.
Coding change: c.324del on transcript NM_003718.5 (MANE Select); coding-DNA position 324, one base deleted (G; older notation c.324delG).
Protein change: p.Arg110fs; shifts the reading frame from arginine 110.
Molecular consequence: frameshift variant.
Genome position (GRCh38, 1-based): chr7:39,950,965, G deleted; the last of 3 consecutive G bases (chr7:39,950,963-39,950,965); deleting any one gives the same sequence. VCF-style (leftmost placement, unchanged base first): chr7-39950962-CG-C. GRCh37 (hg19) VCF-style: chr7-39990561-CG-C.
Other names: c.324delG, p.Arg110Alafs (NM_031267.4); short protein forms R110fs.
Identifiers: ClinVar variation 4293916 (VCV004293916.1).

ClinVar aggregate classification (germline): Likely pathogenic (1 of 4 stars; one submission).

Conditions:
Congenital heart defects, dysmorphic facial features, and intellectual developmental disorder (CHDFIDD). Identifiers: Orphanet 646278, MedGen C4479246, MONDO:0044302, OMIM 617360.

Submission:

3billion
Classification: Likely pathogenic for Congenital heart defects, dysmorphic facial features, and intellectual developmental disorder. Last evaluated: 2024-06-12. Review status: criteria provided, single submitter. Criteria: ACMG Guidelines, 2015. Collection method: clinical testing. Allele origin: germline. Affected: yes.
Comment: The variant is not observed in the gnomAD v4.0.0 dataset. Predicted Consequence/Location: Frameshift: predicted to result in a loss or disruption of normal protein function through nonsense-mediated decay (NMD) or protein truncation. Multiple pathogenic variants are reported downstream of the variant. Therefore, this variant is classified as Likely pathogenic according to the recommendation of ACMG/AMP guideline.